The following is an entry in ClinVar:

NM_006946.4(SPTBN2):c.1202G>A (p.Arg401Gln)

Gene: SPTBN2 (spectrin beta, non-erythrocytic 2; minus strand). Cytogenetic location: 11q13.2.
Variant type: single nucleotide variant.
Coding change: c.1202G>A on transcript NM_006946.4 (MANE Select); coding-DNA position 1202, G replaced by A.
Protein change: p.Arg401Gln; replaces arginine 401 with glutamine.
Molecular consequence: missense variant.
Genome position (GRCh38, 1-based): chr11:66,708,289, C>T on the plus strand (G>A on the coding strand, the complement: SPTBN2 is on the minus strand). VCF-style: chr11-66708289-C-T. GRCh37 (hg19) VCF-style: chr11-66475760-C-T.
Other names: c.1223G>A, p.Arg408Gln (NM_001411025.1); short protein forms R408Q, R401Q.
Identifiers: ClinVar variation 1914153 (VCV001914153.7), dbSNP rs779023477, ClinGen allele CA6129438.

ClinVar aggregate classification (germline): Conflicting classifications of pathogenicity. Review status: criteria provided, conflicting classifications (1 of 4 stars). 3 submissions from 3 submitters: Uncertain significance (2); Benign (1). Last evaluated 2025-03-10.

Conditions:
Inborn genetic diseases. Identifiers: MedGen C0950123, MeSH D030342.

Allele frequency attached by ClinVar (database versions not stated): ExAC 0.00001; gnomAD 0.00001; gnomAD exomes 0.00002; TOPMed 0.00002.
gnomAD v4.1: 28 of 1,593,982 alleles (0.0018%); highest among the groups gnomAD compares: African/African-American, 0.008%; no homozygotes.

Submissions (3):

Labcorp Genetics (formerly Invitae), Labcorp
Classification: Benign. Last evaluated: 2025-03-10. Review status: criteria provided, single submitter. Criteria: Invitae Variant Classification Sherloc (09022015). Collection method: clinical testing. Allele origin: germline.

Athena Diagnostics
Classification: Uncertain significance. Last evaluated: 2024-12-26. Review status: criteria provided, single submitter. Criteria: Athena Diagnostics Criteria. Collection method: clinical testing. Allele origin: unknown.
Comment: Available data are insufficient to determine the clinical significance of the variant at this time. The frequency of this variant in the general population is higher than would generally be expected for pathogenic variants in this gene. Polyphen and MutationTaster predict this amino acid change may be damaging to the protein.

Ambry Genetics
Classification: Uncertain significance for Inborn genetic diseases. Last evaluated: 2022-09-28. Review status: criteria provided, single submitter. Criteria: Ambry Variant Classification Scheme 2023. Collection method: clinical testing. Allele origin: germline.